The following is an entry in ClinVar:

ClinVar aggregate classification (germline): Uncertain significance (1 of 4 stars; one submission).

Submission:

GeneDx
Classification: Uncertain significance. Last evaluated: 2025-04-07. Review status: criteria provided, single submitter. Criteria: GeneDx Variant Classification Process June 2021. Collection method: clinical testing. Allele origin: germline. Affected: yes.
Comment: Not observed at significant frequency in large population cohorts (gnomAD); In silico analysis supports that this missense variant has a deleterious effect on protein structure/function; Has not been previously published as pathogenic or benign to our knowledge.

NM_024408.4(NOTCH2):c.959G>T (p.Gly320Val)

Gene: NOTCH2 (notch receptor 2; minus strand). Cytogenetic location: 1p12.
Variant type: single nucleotide variant.
Coding change: c.959G>T on transcript NM_024408.4 (MANE Select); coding-DNA position 959, G replaced by T.
Protein change: p.Gly320Val; replaces glycine 320 with valine.
Molecular consequence: missense variant.
Genome position (GRCh38, 1-based): chr1:119,969,660, C>A on the plus strand (G>T on the coding strand, the complement: NOTCH2 is on the minus strand). VCF-style: chr1-119969660-C-A. GRCh37 (hg19) VCF-style: chr1-120512283-C-A.
Other names: c.959G>T, p.Gly320Val (NM_001200001.2); short protein forms G320V.
Identifiers: ClinVar variation 4281766 (VCV004281766.1).